The following is an entry in ClinVar:

NM_001286445.3(RIPOR2):c.1909G>A (p.Glu637Lys)

Gene: RIPOR2 (RHO family interacting cell polarization regulator 2; minus strand). Cytogenetic location: 6p22.3.
Variant type: single nucleotide variant.
Coding change: c.1909G>A on transcript NM_001286445.3 (MANE Select); coding-DNA position 1909, G replaced by A.
Protein change: p.Glu637Lys; replaces glutamic acid 637 with lysine.
Molecular consequence: missense variant.
Genome position (GRCh38, 1-based): chr6:24,839,221, C>T on the plus strand (G>A on the coding strand, the complement: RIPOR2 is on the minus strand). VCF-style: chr6-24839221-C-T. GRCh37 (hg19) VCF-style: chr6-24839449-C-T.
Other names: c.1822G>A, p.Glu608Lys (NM_001346031.2, NM_001346032.2); c.1972G>A, p.Glu658Lys (NM_014722.5); short protein forms E608K, E637K, E658K.
Identifiers: ClinVar variation 2105365 (VCV002105365.4), dbSNP rs1312499154, ClinGen allele CA362993078.
Genomic context (GRCh38, chr6:24,839,221, plus strand): 5'-CATCCTCCTCCTCGTCAAAATCAGAGGTGTTCAGGAAATCAAAGCTTTCTAAAGCACTTT[C>T]AACTGTGAGACTTAAACTGGAAGACCTGCTGCGGCTTACTGCTGGCTTGCACTGTAAAGG-3'
Protein context (NP_001273374.1, residues 627-647): SRSSSLSLTV[Glu637Lys]SALESFDFLN

ClinVar aggregate classification (germline): Uncertain significance (1 of 4 stars; one submission).

Allele frequency attached by ClinVar (database versions not stated): TOPMed below 0.00001; gnomAD 0.00001.
gnomAD v4.1: 2 of 1,551,722 alleles (0.00013%); highest among the groups gnomAD compares: Admixed American, 0.0039%; no homozygotes.

Submission:

Labcorp Genetics (formerly Invitae), Labcorp
Classification: Uncertain significance. Last evaluated: 2026-01-20. Review status: criteria provided, single submitter. Criteria: Invitae Variant Classification Sherloc (09022015). Collection method: clinical testing. Allele origin: germline.
Comment: This sequence change replaces glutamic acid, which is acidic and polar, with lysine, which is basic and polar, at codon 658 of the FAM65B protein (p.Glu658Lys). This variant is present in population databases (no rsID available, gnomAD 0.004%). This variant has not been reported in the literature in individuals affected with FAM65B-related conditions. ClinVar contains an entry for this variant (Variation ID: 2105365). An algorithm developed to predict the effect of missense changes on protein structure and function (PolyPhen-2) suggests that this variant is likely to be disruptive. In summary, the available evidence is currently insufficient to determine the role of this variant in disease. Therefore, it has been classified as a Variant of Uncertain Significance.